The following is an entry in ClinVar:

ClinVar aggregate classification (germline): Pathogenic. Review status: reviewed by expert panel (3 of 4 stars). 4 submissions from 4 submitters: Pathogenic (1). 3 of the submissions do not count toward it. Last evaluated 2024-12-03.

Conditions:
Cardio-facio-cutaneous syndrome. Also called: Cardiofaciocutaneous syndrome; CFC syndrome. Identifiers: Orphanet 1340, MedGen C1275081, MONDO:0015280. Disease mechanism: gain of function.
Cardiofaciocutaneous syndrome 4 (CFC4). Also called: MAP2K2-Related Cardiofaciocutaneous Syndrome. Identifiers: Orphanet 1340, MedGen C3809007, MONDO:0014114, OMIM 615280.
RASopathy. Also called: rasopathies; Noonan spectrum disorder. Identifiers: Orphanet 536391, MedGen C5555857, MONDO:0021060.

Submissions (4):

ClinGen RASopathy Variant Curation Expert Panel
Classification: Pathogenic for RASopathy. Last evaluated: 2024-12-03. Review status: reviewed by expert panel. Criteria: ClinGen RASopathy ACMG Specifications MAP2K2 V2.3.0. Collection method: curation. Allele origin: germline. Inheritance: Autosomal dominant inheritance.
Comment: The c.170T>G variant in the MAP2K2 gene is a missense variant predicted to cause substitution of phenylalanine by cysteine at amino acid 57 (p.Phe57Cys). This variant is absent from gnomAD v2.1.1 (PM2_Supporting). The computational predictor REVEL gives a score of 0.959, predicting a damaging impact on protein function (PP3). This variant is in a location that has been defined by the ClinGen RASopathy Expert Panel to be a critical functional domain of MAP2K2 (PM1, AA 47-65). Furthermore, other pathogenic missense variants has been previously identified at this codon of MAP2K2 (Phe57Val, Phe57Ile, Phe57Leu) and in nearby residues in association with CFC syndrome, which may indicate that this residue is critical to the function of the protein (PM5). This variant has been identified in at least 4 patients with RASopathy, of which 1 was an unconfirmed de novo occurrence (PS4_Moderate, PM6; GenomeConnect, ClinVar: SCV002047662.1; PMID: 16439621, 18039235, 21062266). ERK phosphorylation assays showed that this variant led to increased phosphorylation compared to wild-type (PS3_Supporting; PMID: 16439621, 17981815). In summary, this variant meets criteria to be classified as pathogenic for autosomal dominant RASopathies based on the ACMG/AMP criteria applied, as specified by the ClinGen RASopathy Variant Curation Expert Panel: PS4_Moderate, PM1, PM5, PM6, PS3_Supporting, PM2_Supporting, PP3 (Specification Version 2.3, 12/3/2024)

GeneDx
Classification: Pathogenic. Last evaluated: 2026-09-28. Review status: criteria provided, single submitter. Criteria: GeneDx Variant Classification Process June 2021. Collection method: clinical testing. Allele origin: germline. Not counted in ClinVar's aggregate classification.
Comment: Published functional studies demonstrate increased kinase activity and activation of downstream effectors (PMID: 18413255); Not observed at significant frequency in large population cohorts (gnomAD); Missense variants in this gene are a common cause of disease and they are underrepresented in the general population; In silico analysis supports that this missense variant has a deleterious effect on protein structure/function; This variant is associated with the following publications: (PMID: 24803665, 16439621, 18413255, 19156172, 26399658, 22753777, 29493581, 22177953, 25370473)

OMIM
Classification: Pathogenic for CARDIOFACIOCUTANEOUS SYNDROME 4. Last evaluated: 2008-02-01. Review status: no assertion criteria provided. Collection method: literature only. Allele origin: germline. Not counted in ClinVar's aggregate classification.

GeneReviews
No classification provided. Condition: Cardio-facio-cutaneous syndrome. Review status: no classification provided. Collection method: literature only. Allele origin: germline. Affected: yes. Not counted in ClinVar's aggregate classification.

Literature cited by the submitters: PubMed 17981815 (cited by ClinGen RASopathy Variant Curation Expert Panel and OMIM); PubMed 16439621 (cited by ClinGen RASopathy Variant Curation Expert Panel and OMIM); NCBI Bookshelf NBK1186 (cited by GeneReviews).

NM_030662.4(MAP2K2):c.170T>G (p.Phe57Cys)

Gene: MAP2K2 (mitogen-activated protein kinase kinase 2; minus strand). Cytogenetic location: 19p13.3.
Variant type: single nucleotide variant.
Coding change: c.170T>G on transcript NM_030662.4 (MANE Select); coding-DNA position 170, T replaced by G.
Protein change: p.Phe57Cys; replaces phenylalanine 57 with cysteine.
Molecular consequence: missense variant.
Genome position (GRCh38, 1-based): chr19:4,117,552, A>C on the plus strand (T>G on the coding strand, the complement: MAP2K2 is on the minus strand). VCF-style: chr19-4117552-A-C. GRCh37 (hg19) VCF-style: chr19-4117550-A-C.
Other names: F57C; p.F57C:TTT>TGT; NM_030662.3(MAP2K2):c.170T>G; NM_030662.4(MAP2K2):c.170T>G.
Identifiers: ClinVar variation 8272 (VCV000008272.10), dbSNP rs121434497, ClinGen allele CA279958.